The following is an entry in ClinVar:

ClinVar aggregate classification (germline): Uncertain significance. Review status: criteria provided, multiple submitters, no conflicts (2 of 4 stars). 3 submissions from 3 submitters: Uncertain significance (2). 1 of the submissions does not count toward it. Last evaluated 2026-06-23.

Conditions:
Idiopathic Pulmonary Fibrosis. Also called: Idiopathic fibrosing alveolitis, chronic form; idiopathic fibrosing alveolitis. Identifiers: Orphanet 2032, MedGen C1800706, MeSH D054990, MONDO:0800504.
Dyskeratosis congenita, autosomal dominant 2. Identifiers: MedGen C3151443, MONDO:0013521, OMIM 613989.
TERT-related disorder. Also called: TERT-related disorders; TERT-related condition.
Dyskeratosis congenita. Identifiers: Orphanet 1775, MedGen C0265965, MONDO:0015780.

Allele frequency attached by ClinVar (database versions not stated): TOPMed below 0.00001.
gnomAD v4.1: 6 of 1,610,596 alleles (0.00037%); highest among the groups gnomAD compares: South Asian, 0.0011%; no homozygotes.

Submissions (3):

Ambry Genetics
Classification: Uncertain significance for Dyskeratosis congenita. Last evaluated: 2026-06-23. Review status: criteria provided, single submitter. Criteria: Ambry Variant Classification Scheme 2023. Collection method: clinical testing. Allele origin: germline.
Comment: The p.R1105W variant (also known as c.3313C>T), located in coding exon 16 of the TERT gene, results from a C to T substitution at nucleotide position 3313. The arginine at codon 1105 is replaced by tryptophan, an amino acid with dissimilar properties. This amino acid position is not well conserved in available vertebrate species. In addition, the in silico prediction for this alteration is inconclusive. Based on the available evidence, the clinical significance of this variant remains unclear.

Labcorp Genetics (formerly Invitae), Labcorp
Classification: Uncertain significance for Dyskeratosis congenita, autosomal dominant 2; Idiopathic Pulmonary Fibrosis. Last evaluated: 2026-01-06. Review status: criteria provided, single submitter. Criteria: Invitae Variant Classification Sherloc (09022015). Collection method: clinical testing. Allele origin: germline.
Comment: This sequence change replaces arginine, which is basic and polar, with tryptophan, which is neutral and slightly polar, at codon 1105 of the TERT protein (p.Arg1105Trp). This variant is not present in population databases (gnomAD no frequency). This missense change has been observed in individual(s) with non-Hodgkin lymphoma (PMID: 34019641). ClinVar contains an entry for this variant (Variation ID: 939229). Invitae Evidence Modeling of protein sequence and biophysical properties (such as structural, functional, and spatial information, amino acid conservation, physicochemical variation, residue mobility, and thermodynamic stability) indicates that this missense variant is not expected to disrupt TERT protein function with a negative predictive value of 95%. Experimental studies are conflicting or provide insufficient evidence to determine the effect of this variant on TERT function (PMID: 34019641). In summary, the available evidence is currently insufficient to determine the role of this variant in disease. Therefore, it has been classified as a Variant of Uncertain Significance.

PreventionGenetics, part of Exact Sciences
Classification: Uncertain significance for TERT-related condition. Last evaluated: 2024-04-16. Review status: no assertion criteria provided. Collection method: clinical testing. Allele origin: germline. Not counted in ClinVar's aggregate classification.
Comment: The TERT c.3313C>T variant is predicted to result in the amino acid substitution p.Arg1105Trp. This variant has been observed as a germline finding in an individual from a cohort of patients with myelodysplastic syndrome, and reported as a variant of uncertain significance (Reilly et al. 2021. PubMed ID: 34019641). This variant has not been reported in a large population database, indicating this variant is rare. At this time, the clinical significance of this variant is uncertain due to the absence of conclusive functional and genetic evidence.

Literature cited by the submitters: PubMed 34019641 (cited by Labcorp Genetics (formerly Invitae), Labcorp).

NM_198253.3(TERT):c.3313C>T (p.Arg1105Trp)

Gene: TERT (telomerase reverse transcriptase; minus strand). Cytogenetic location: 5p15.33.
Variant type: single nucleotide variant.
Coding change: c.3313C>T on transcript NM_198253.3 (MANE Select); coding-DNA position 3313, C replaced by T.
Protein change: p.Arg1105Trp; replaces arginine 1105 with tryptophan.
Molecular consequence: missense variant. On other transcripts: non-coding transcript variant (2).
Genome position (GRCh38, 1-based): chr5:1,253,814, G>A on the plus strand (C>T on the coding strand, the complement: TERT is on the minus strand). VCF-style: chr5-1253814-G-A. GRCh37 (hg19) VCF-style: chr5-1253929-G-A.
Other names: c.3124C>T, p.Arg1042Trp (NM_001193376.3); short protein forms R1042W, R1105W.
Identifiers: ClinVar variation 939229 (VCV000939229.8), dbSNP rs945881076, ClinGen allele CA112922617.